The following is an entry in ClinVar:

ClinVar aggregate classification (germline): Uncertain significance (1 of 4 stars; one submission).

Conditions:
Hypertrophic cardiomyopathy. Also called: HYPERTROPHIC MYOCARDIOPATHY. Identifiers: Orphanet 217569, MedGen C0007194, MeSH D002312, MONDO:0005045, HP:0001639.

Submission:

Labcorp Genetics (formerly Invitae), Labcorp
Classification: Uncertain significance for Hypertrophic cardiomyopathy. Last evaluated: 2024-09-14. Review status: criteria provided, single submitter. Criteria: Invitae Variant Classification Sherloc (09022015). Collection method: clinical testing. Allele origin: germline.
Comment: This sequence change replaces valine, which is neutral and non-polar, with leucine, which is neutral and non-polar, at codon 861 of the MYOM1 protein (p.Val861Leu). This variant is not present in population databases (gnomAD no frequency). This variant has not been reported in the literature in individuals affected with MYOM1-related conditions. ClinVar contains an entry for this variant (Variation ID: 940356). An algorithm developed to predict the effect of missense changes on protein structure and function outputs the following: PolyPhen-2: "Benign". The leucine amino acid residue is found in multiple mammalian species, which suggests that this missense change does not adversely affect protein function. In summary, the available evidence is currently insufficient to determine the role of this variant in disease. Therefore, it has been classified as a Variant of Uncertain Significance.

NM_003803.4(MYOM1):c.2581G>T (p.Val861Leu)

Gene: MYOM1 (myomesin 1; minus strand). Cytogenetic location: 18p11.31.
Variant type: single nucleotide variant.
Coding change: c.2581G>T on transcript NM_003803.4 (MANE Select); coding-DNA position 2581, G replaced by T.
Protein change: p.Val861Leu; replaces valine 861 with leucine.
Molecular consequence: missense variant. On other transcripts: intron variant (1).
Genome position (GRCh38, 1-based): chr18:3,129,445, C>A on the plus strand (G>T on the coding strand, the complement: MYOM1 is on the minus strand). VCF-style: chr18-3129445-C-A. GRCh37 (hg19) VCF-style: chr18-3129443-C-A.
Other names: c.2506+1930G>T (NM_019856.2); short protein forms V861L.
Identifiers: ClinVar variation 940356 (VCV000940356.9), dbSNP rs537504476, ClinGen allele CA401710321.